The following is an entry in ClinVar:

ClinVar aggregate classification (germline): Uncertain significance (1 of 4 stars; one submission).

Submission:

GeneDx
Classification: Uncertain significance. Last evaluated: 2014-08-29. Review status: criteria provided, single submitter. Criteria: GeneDx Variant Classification (06012015). Collection method: clinical testing. Allele origin: germline. Affected: yes.
Comment: p.Val119Asp (GTC>GAC): c.356 T>A in exon 4 of the DSC2 gene (NM_024422.3). A variant of unknown significance has been identified in the DSC2 gene. The V119D variant has not been published as a mutation, nor has it been reported as a benign polymorphism to our knowledge. The V119D variant was not observed in approximately 6,500 individuals of European and African American ancestry in the NHLBI Exome Sequencing Project, indicating it is not a common benign variant in these populations. The V119D variant is a non-conservative amino acid substitution, which is likely to impact secondary protein structure as these residues differ in polarity, charge, size and/or other properties. Additionally, this substitution occurs at a position that is class conserved among mammals. However, in silico analysis is inconsistent in its predictions as to whether or not the variant is damaging to the protein structure/function. Furthermore, no mutations in nearby residues have been reported in association with ARVC, indicating this region of the protein may be tolerant of change. Therefore, based on the currently available information, it is unclear whether this variant is a pathogenic mutation or a rare benign variant. The variant is found in CARDIOMYOPATHY panel(s).

NM_024422.6(DSC2):c.356T>A (p.Val119Asp)

Gene: DSC2 (desmocollin 2; minus strand). Cytogenetic location: 18q12.1.
Variant type: single nucleotide variant.
Coding change: c.356T>A on transcript NM_024422.6 (MANE Select); coding-DNA position 356, T replaced by A.
Protein change: p.Val119Asp; replaces valine 119 with aspartic acid.
Molecular consequence: missense variant.
Genome position (GRCh38, 1-based): chr18:31,091,146, A>T on the plus strand (T>A on the coding strand, the complement: DSC2 is on the minus strand). VCF-style: chr18-31091146-A-T. GRCh37 (hg19) VCF-style: chr18-28671109-A-T.
Other names: p.V119D:GTC>GAC; c.356T>A, p.Val119Asp (NM_004949.5); short protein forms V119D.
Identifiers: ClinVar variation 199780 (VCV000199780.2), dbSNP rs794728074, ClinGen allele CA022816.